The following is an entry in ClinVar:

ClinVar aggregate classification (germline): Benign/Likely benign. Review status: criteria provided, multiple submitters, no conflicts (2 of 4 stars). 3 submissions from 3 submitters: Benign (1); Likely benign (2). Last evaluated 2026-01-05.

Allele frequency attached by ClinVar (database versions not stated): 1000 Genomes Project 0.00060; gnomAD exomes 0.00080 and 0.00084; TOPMed 0.00091; gnomAD 0.00121 and 0.00124; 1000 Genomes Project 30x 0.00172; ExAC 0.00157.
gnomAD v4.1: 1,358 of 1,529,318 alleles (0.089%); highest among the groups gnomAD compares: African/African-American, 0.12%; 2 homozygotes.

Submissions (3):

Labcorp Genetics (formerly Invitae), Labcorp
Classification: Benign. Last evaluated: 2026-01-05. Review status: criteria provided, single submitter. Criteria: Invitae Variant Classification Sherloc (09022015). Collection method: clinical testing. Allele origin: germline.

Blueprint Genetics
Classification: Likely benign. Last evaluated: 2024-11-15. Review status: criteria provided, single submitter. Criteria: ACMG Guidelines, 2015. Collection method: clinical testing. Allele origin: germline.

CeGaT Center for Human Genetics Tuebingen
Classification: Likely benign. Last evaluated: 2023-01-01. Review status: criteria provided, single submitter. Criteria: CeGaT Center For Human Genetics Tuebingen Variant Classification Criteria Version 2. Collection method: clinical testing. Allele origin: germline. Affected: yes. Observed: 2 variant alleles.
Comment: NHERF1: BP4, BP7

NM_004252.5(NHERF1):c.432C>T (p.His144=)

Genes: NHERF1 (NHERF family PDZ scaffold protein 1; plus strand), SLC9A3R1-AS1 (SLC9A3R1 antisense RNA 1; minus strand). Cytogenetic location: 17q25.1.
Variant type: single nucleotide variant.
Coding change: c.432C>T on transcript NM_004252.5 (MANE Select); coding-DNA position 432, C replaced by T.
Protein change: p.His144=; no amino-acid change (histidine 144 retained).
Molecular consequence: synonymous variant.
Genome position (GRCh38, 1-based): chr17:74,749,278, C>T. VCF-style: chr17-74749278-C-T. GRCh37 (hg19) VCF-style: chr17-72745417-C-T.
Identifiers: ClinVar variation 1298722 (VCV001298722.40), dbSNP rs8067426, ClinGen allele CA8750580.